The following is an entry in ClinVar:

ClinVar aggregate classification (germline): Likely benign (1 of 4 stars; one submission).

Conditions:
MYH2-related disorder. Also called: MYH2-related condition.

Submission:

PreventionGenetics, part of Exact Sciences
Classification: Likely benign for MYH2-related condition. Last evaluated: 2026-05-26. Review status: criteria provided, single submitter. Criteria: ACMG Guidelines, 2015. Collection method: clinical testing. Allele origin: germline.
Comment: This variant is classified as likely benign based on ACMG/AMP sequence variant interpretation guidelines (Richards et al. 2015 PMID: 25741868, with internal and published modifications).

NM_017534.6(MYH2):c.4806C>T (p.Ser1602=)

Genes: MYH2 (myosin heavy chain 2; minus strand), MYHAS (myosin heavy chain gene cluster antisense RNA; plus strand), LOC126862500 (BRD4-independent group 4 enhancer GRCh37_chr17:10427829-10429028; plus strand). Cytogenetic location: 17p13.1.
Variant type: single nucleotide variant.
Coding change: c.4806C>T on transcript NM_017534.6 (MANE Select); coding-DNA position 4806, C replaced by T.
Protein change: p.Ser1602=; no amino-acid change (serine 1602 retained).
Molecular consequence: synonymous variant.
Genome position (GRCh38, 1-based): chr17:10,524,922, G>A on the plus strand (C>T on the coding strand, the complement: MYH2 is on the minus strand). VCF-style: chr17-10524922-G-A. GRCh37 (hg19) VCF-style: chr17-10428239-G-A.
Other names: c.4806C>T, p.Ser1602= (NM_001100112.2).
Identifiers: ClinVar variation 4989396 (VCV004989396.1).
Genomic context (GRCh38, chr17:10,524,922, plus strand): 5'-CTTCTTGAGCCTAATGGCATCATTCCTACTCCTGATCTCAGCATCCAGCGTGCTCTGCAT[G>A]GACTCCACGATTCTAATGTGGTTTCTCTTCAGCTGGTCAATTTCCTCATCTTTTTCAGCA-3'
Protein context (NP_060004.3, residues 1592-1612): LKRNHIRIVE[Ser1602=]MQSTLDAEIR